The following is an entry in ClinVar:

NM_001365536.1(SCN9A):c.1326G>A (p.Ala442=)

Genes: SCN1A-AS1 (SCN1A and SCN9A antisense RNA 1; plus strand), SCN9A (sodium voltage-gated channel alpha subunit 9; minus strand). Cytogenetic location: 2q24.3.
Variant type: single nucleotide variant.
Coding change: c.1326G>A on transcript NM_001365536.1 (MANE Select); coding-DNA position 1326, G replaced by A.
Protein change: p.Ala442=; no amino-acid change (alanine 442 retained).
Molecular consequence: synonymous variant.
Genome position (GRCh38, 1-based): chr2:166,286,612, C>T on the plus strand (G>A on the coding strand, the complement: SCN9A is on the minus strand). VCF-style: chr2-166286612-C-T. GRCh37 (hg19) VCF-style: chr2-167143122-C-T.
Other names: c.1326G>A, p.Ala442= (NM_002977.4).
Identifiers: ClinVar variation 193860 (VCV000193860.45), dbSNP rs200065104, ClinGen allele CA239541.

ClinVar aggregate classification (germline): Conflicting classifications of pathogenicity. Review status: criteria provided, conflicting classifications (1 of 4 stars). 7 submissions from 7 submitters: Uncertain significance (1); Benign (1); Likely benign (5). Last evaluated 2026-01-31.

Conditions:
Neuropathy, hereditary sensory and autonomic, type 2A (HSAN2A). Also called: HSAN IIA; ACROOSTEOLYSIS, GIACCAI TYPE; ACROOSTEOLYSIS, NEUROGENIC; MORVAN DISEASE; WNK1-Related HSAN2 (HSAN2A); NEUROPATHY, CONGENITAL SENSORY. Identifiers: Orphanet 970, MedGen C2752089, MONDO:0024309, OMIM 201300.
Generalized epilepsy with febrile seizures plus, type 7 (GEFSP7). Also called: GEFS+, TYPE 7. Identifiers: Orphanet 36387, MedGen C2751778, MONDO:0013470, OMIM 613863.
Inborn genetic diseases. Identifiers: MedGen C0950123, MeSH D030342.

Allele frequency attached by ClinVar (database versions not stated): gnomAD exomes 0.00024; 1000 Genomes Project 30x 0.00031; ExAC 0.00054; ESP Exome Variant Server 0.00084; gnomAD 0.00092 and 0.00102; TOPMed 0.00110.
gnomAD v4.1: 282 of 1,548,658 alleles (0.018%); highest among the groups gnomAD compares: African/African-American, 0.34%; no homozygotes.

Submissions (7):

Labcorp Genetics (formerly Invitae), Labcorp
Classification: Benign for Neuropathy, hereditary sensory and autonomic, type 2A; Generalized epilepsy with febrile seizures plus, type 7. Last evaluated: 2026-01-31. Review status: criteria provided, single submitter. Criteria: Invitae Variant Classification Sherloc (09022015). Collection method: clinical testing. Allele origin: germline.

Blueprint Genetics
Classification: Likely benign. Last evaluated: 2024-09-11. Review status: criteria provided, single submitter. Criteria: ACMG Guidelines, 2015. Collection method: clinical testing. Allele origin: germline.

CeGaT Center for Human Genetics Tuebingen
Classification: Likely benign. Last evaluated: 2022-04-01. Review status: criteria provided, single submitter. Criteria: CeGaT Center For Human Genetics Tuebingen Variant Classification Criteria Version 2. Collection method: clinical testing. Allele origin: germline. Affected: yes. Observed: 1 variant allele.
Comment: SCN9A: BP4, BP7

GeneDx
Classification: Likely benign. Last evaluated: 2020-03-20. Review status: criteria provided, single submitter. Criteria: GeneDx Variant Classification Process June 2021. Collection method: clinical testing. Allele origin: germline. Affected: yes.

Ambry Genetics
Classification: Likely benign for Inborn genetic diseases. Last evaluated: 2019-07-11. Review status: criteria provided, single submitter. Criteria: Ambry Variant Classification Scheme 2023. Collection method: clinical testing. Allele origin: germline.

Eurofins Ntd Llc (ga)
Classification: Uncertain significance. Last evaluated: 2015-06-02. Review status: criteria provided, single submitter. Criteria: EGL Classification Definitions 2015. Collection method: clinical testing. Allele origin: germline. Observed: 1 variant allele, 1 heterozygote.

PreventionGenetics, part of Exact Sciences
Classification: Likely benign. Review status: criteria provided, single submitter. Criteria: ACMG Guidelines, 2015. Collection method: clinical testing. Allele origin: germline.